The following is an entry in ClinVar:

NM_032043.3(BRIP1):c.3507C>A (p.Asp1169Glu)

Gene: BRIP1 (BRCA1 interacting DNA helicase 1; minus strand). Cytogenetic location: 17q23.2.
Variant type: single nucleotide variant.
Coding change: c.3507C>A on transcript NM_032043.3 (MANE Select); coding-DNA position 3507, C replaced by A.
Protein change: p.Asp1169Glu; replaces aspartic acid 1169 with glutamic acid.
Molecular consequence: missense variant.
Genome position (GRCh38, 1-based): chr17:61,683,539, G>T on the plus strand (C>A on the coding strand, the complement: BRIP1 is on the minus strand). VCF-style: chr17-61683539-G-T. GRCh37 (hg19) VCF-style: chr17-59760900-G-T.
Other names: short protein forms D1169E.
Identifiers: ClinVar variation 220245 (VCV000220245.22), dbSNP rs375741316, ClinGen allele CA349272.

ClinVar aggregate classification (germline): Uncertain significance. Review status: criteria provided, multiple submitters, no conflicts (2 of 4 stars). 6 submissions from 6 submitters: Uncertain significance (6). Last evaluated 2026-02-12.

Conditions:
BRIP1-related disorder. Also called: BRIP1-related condition; BRIP1-related disorders. Identifiers: MedGen CN239206.
Hereditary cancer-predisposing syndrome. Also called: Neoplastic Syndromes, Hereditary; Tumor predisposition; Hereditary Cancer Syndrome; Hereditary neoplastic syndrome. Identifiers: Orphanet 140162, MedGen C0027672, MeSH D009386, MONDO:0015356.
Fanconi anemia complementation group J. Also called: BRIP1-Related Fanconi Anemia. Identifiers: Orphanet 84, MedGen C1836860, MONDO:0012187, OMIM 609054.
Familial cancer of breast. Also called: hereditary breast carcinoma; BREAST CANCER, FAMILIAL; Hereditary breast cancer. Identifiers: Orphanet 227535, MedGen C0346153, MONDO:0016419, OMIM 114480. Disease mechanism: loss of function.

Allele frequency attached by ClinVar (database versions not stated): gnomAD exomes below 0.00001; TOPMed below 0.00001; ExAC 0.00001; gnomAD 0.00001; ESP Exome Variant Server 0.00008.
gnomAD v4.1: 7 of 1,613,136 alleles (0.00043%); highest among the groups gnomAD compares: Non-Finnish European, 0.00059%; no homozygotes.

Submissions (6):

PreventionGenetics, part of Exact Sciences
Classification: Uncertain significance for BRIP1-related condition. Last evaluated: 2026-02-12. Review status: criteria provided, single submitter. Criteria: ACMG Guidelines, 2015. Collection method: clinical testing. Allele origin: germline.
Comment: The BRIP1 c.3507C>A variant is predicted to result in the amino acid substitution p.Asp1169Glu. This variant has been reported in individuals with breast cancer (Easton et al. 2016. PubMed ID: 26921362). This variant has not been reported in gnomAD and is classified as a VUS in ClinVar (Variation ID: 220245). At this time, the clinical significance of this variant is uncertain due to the absence of conclusive functional and genetic evidence.

Labcorp Genetics (formerly Invitae), Labcorp
Classification: Uncertain significance for Familial cancer of breast; Fanconi anemia complementation group J. Last evaluated: 2025-11-04. Review status: criteria provided, single submitter. Criteria: Invitae Variant Classification Sherloc (09022015). Collection method: clinical testing. Allele origin: germline.
Comment: This sequence change replaces aspartic acid, which is acidic and polar, with glutamic acid, which is acidic and polar, at codon 1169 of the BRIP1 protein (p.Asp1169Glu). The frequency data for this variant in the population databases is considered unreliable, as metrics indicate poor data quality at this position in the gnomAD database. This missense change has been observed in individual(s) with breast cancer (PMID: 26921362). ClinVar contains an entry for this variant (Variation ID: 220245). Invitae Evidence Modeling of protein sequence and biophysical properties (such as structural, functional, and spatial information, amino acid conservation, physicochemical variation, residue mobility, and thermodynamic stability) indicates that this missense variant is not expected to disrupt BRIP1 protein function with a negative predictive value of 95%. In summary, the available evidence is currently insufficient to determine the role of this variant in disease. Therefore, it has been classified as a Variant of Uncertain Significance.

Ambry Genetics
Classification: Uncertain significance for Hereditary cancer-predisposing syndrome. Last evaluated: 2025-09-06. Review status: criteria provided, single submitter. Criteria: Ambry Variant Classification Scheme 2023. Collection method: clinical testing. Allele origin: germline.
Comment: The p.D1169E variant (also known as c.3507C>A), located in coding exon 19 of the BRIP1 gene, results from a C to A substitution at nucleotide position 3507. The aspartic acid at codon 1169 is replaced by glutamic acid, an amino acid with highly similar properties. This variant was detected in 2/123213 breast cancer cases and 0/5242 controls from the UK (Easton DF et al. J. Med. Genet. 2016 May;53:298-309). This amino acid position is not well conserved in available vertebrate species. In addition, this alteration is predicted to be tolerated by in silico analysis. Since supporting evidence is limited at this time, the clinical significance of this alteration remains unclear.

GeneDx
Classification: Uncertain significance. Last evaluated: 2023-09-28. Review status: criteria provided, single submitter. Criteria: GeneDx Variant Classification Process June 2021. Collection method: clinical testing. Allele origin: germline. Affected: yes.
Comment: Not observed at significant frequency in large population cohorts (gnomAD); In silico analysis supports that this missense variant does not alter protein structure/function; Observed in individuals with breast cancer (Easton et al., 2016); This variant is associated with the following publications: (PMID: 26921362)

Institute for Clinical Genetics, University Hospital TU Dresden, University Hospital TU Dresden
Classification: Uncertain significance. Last evaluated: 2021-11-03. Review status: criteria provided, single submitter. Criteria: ACMG Guidelines, 2015. Collection method: clinical testing. Allele origin: germline.

Department of Pathology and Laboratory Medicine, Sinai Health System
Classification: Uncertain significance for Familial cancer of breast. Last evaluated: 2021-07-02. Review status: criteria provided, single submitter. Criteria: ACMG Guidelines, 2015. Collection method: clinical testing. Allele origin: germline. Affected: yes.

Literature cited by the submitters: PubMed 26921362 (cited by Labcorp Genetics (formerly Invitae), Labcorp and Department of Pathology and Laboratory Medicine, Sinai Health System).